The following is an entry in ClinVar:

ClinVar aggregate classification (germline): Uncertain significance (1 of 4 stars; one submission).

Conditions:
Hereditary cancer-predisposing syndrome. Also called: Tumor predisposition; Hereditary Cancer Syndrome; Neoplastic Syndromes, Hereditary; Hereditary neoplastic syndrome. Identifiers: Orphanet 140162, MedGen C0027672, MeSH D009386, MONDO:0015356.

Submission:

Ambry Genetics
Classification: Uncertain significance for Hereditary cancer-predisposing syndrome. Last evaluated: 2019-10-28. Review status: criteria provided, single submitter. Criteria: Ambry Variant Classification Scheme 2023. Collection method: clinical testing. Allele origin: germline.
Comment: The p.I1076L variant (also known as c.3226A>C), located in coding exon 22 of the PDGFRA gene, results from an A to C substitution at nucleotide position 3226. The isoleucine at codon 1076 is replaced by leucine, an amino acid with highly similar properties. This amino acid position is well conserved in available vertebrate species. In addition, this alteration is predicted to be tolerated by in silico analysis. Since supporting evidence is limited at this time, the clinical significance of this alteration remains unclear.

NM_006206.6(PDGFRA):c.3226A>C (p.Ile1076Leu)

Gene: PDGFRA (platelet derived growth factor receptor alpha; plus strand). Cytogenetic location: 4q12.
Variant type: single nucleotide variant.
Coding change: c.3226A>C on transcript NM_006206.6 (MANE Select); coding-DNA position 3226, A replaced by C.
Protein change: p.Ile1076Leu; replaces isoleucine 1076 with leucine.
Molecular consequence: missense variant.
Genome position (GRCh38, 1-based): chr4:54,295,228, A>C. VCF-style: chr4-54295228-A-C. GRCh37 (hg19) VCF-style: chr4-55161395-A-C.
Other names: c.3301A>C, p.Ile1101Leu (NM_001347828.2); c.3226A>C, p.Ile1076Leu (NM_001347829.2); c.3265A>C, p.Ile1089Leu (NM_001347830.2); short protein forms I1076L, I1089L, I1101L.
Identifiers: ClinVar variation 823236 (VCV000823236.4), dbSNP rs750465940, ClinGen allele CA356896673.